The following is an entry in ClinVar:

NM_144997.7(FLCN):c.1389C>G (p.Tyr463Ter)

Gene: FLCN (folliculin; minus strand). Cytogenetic location: 17p11.2.
Variant type: single nucleotide variant.
Coding change: c.1389C>G on transcript NM_144997.7 (MANE Select); coding-DNA position 1389, C replaced by G.
Protein change: p.Tyr463Ter; replaces tyrosine 463 with a stop codon.
Molecular consequence: nonsense.
Genome position (GRCh38, 1-based): chr17:17,215,228, G>C on the plus strand (C>G on the coding strand, the complement: FLCN is on the minus strand). VCF-style: chr17-17215228-G-C. GRCh37 (hg19) VCF-style: chr17-17118542-G-C.
Other names: p.Tyr463*; c.1389C>G, p.Tyr463Ter (LRG_325t1, NM_001353230.2, NM_001353231.2); c.1389C>G (NM_144997.6); c.1443C>G, p.Tyr481Ter (NM_001353229.2); short protein forms Y463*, Y481*.
Identifiers: ClinVar variation 3367 (VCV000003367.37), dbSNP rs137852929, ClinGen allele CA196224.

ClinVar aggregate classification (germline): Pathogenic. Review status: criteria provided, multiple submitters, no conflicts (2 of 4 stars). 18 submissions from 17 submitters: Pathogenic (17). 1 of the submissions does not count toward it. Last evaluated 2026-02-07.

Conditions:
Pneumothorax - familial.
Birt-Hogg-Dube syndrome 1 (BHD1). Also called: FIBROFOLLICULOMAS WITH TRICHODISCOMAS AND ACROCHORDONS. Identifiers: Orphanet 122, MedGen CN375946, MONDO:0800445, OMIM 135150.
FLCN-related disorder. Also called: FLCN-related condition.
FLCN-related disorders.
Hereditary cancer-predisposing syndrome. Also called: Neoplastic Syndromes, Hereditary; Tumor predisposition; Hereditary Cancer Syndrome; Hereditary neoplastic syndrome. Identifiers: Orphanet 140162, MedGen C0027672, MeSH D009386, MONDO:0015356.
Pulmonary arterial hypertension. Identifiers: Orphanet 182090, MedGen C2973725, MeSH D000081029, MONDO:0015924, HP:0002092.
Familial spontaneous pneumothorax (PSP). Identifiers: Orphanet 2903, MedGen C1868193, MONDO:0008259, OMIM 173600.
Birt-Hogg-Dube syndrome. Also called: Birt Hogg Dubé syndrome. Identifiers: Orphanet 122, MedGen C0346010, MONDO:0800444.

gnomAD v4.1: 9 of 1,614,200 alleles (0.00056%); highest among the groups gnomAD compares: Non-Finnish European, 0.00076%; no homozygotes.

Submissions 1 to 11 of 18:

PreventionGenetics, part of Exact Sciences
Classification: Pathogenic for FLCN-related condition. Last evaluated: 2026-02-07. Review status: criteria provided, single submitter. Criteria: ACMG Guidelines, 2015. Collection method: clinical testing. Allele origin: germline.
Comment: The FLCN c.1389C>G variant is predicted to result in premature protein termination (p.Tyr463*). This variant has been reported in individuals with Birt-Hogg-Dube Syndrome (Nickerson et al. 2002. PubMed ID: 12204536; Toro et al. 2008. PubMed ID: 18234728; Pithadia et al. 2019. PubMed ID: 31008171). It is also known in the literature as c.1844C>G. This variant has not been reported in a large population database (gnomAD) and has been interpreted as pathogenic in the ClinVar database (Variation ID: 3367). Nonsense variants in FLCN are expected to be pathogenic. This variant is interpreted as pathogenic.

Labcorp Genetics (formerly Invitae), Labcorp
Classification: Pathogenic for Birt-Hogg-Dube syndrome. Last evaluated: 2026-02-03. Review status: criteria provided, single submitter. Criteria: Invitae Variant Classification Sherloc (09022015). Collection method: clinical testing. Allele origin: germline.
Comment: This sequence change creates a premature translational stop signal (p.Tyr463*) in the FLCN gene. It is expected to result in an absent or disrupted protein product. Loss-of-function variants in FLCN are known to be pathogenic (PMID: 15852235). This variant is not present in population databases (gnomAD no frequency). This premature translational stop signal has been observed in individual(s) with Birt-Hogg-Dubé syndrome (PMID: 12204536, 15852235, 18234728). It has also been observed to segregate with disease in related individuals. ClinVar contains an entry for this variant (Variation ID: 3367). RNA analysis performed to evaluate the impact of this premature translational stop signal on mRNA splicing indicates it does not significantly alter splicing (internal data). For these reasons, this variant has been classified as Pathogenic.

NHS Central & South Genomic Laboratory Hub
Classification: Pathogenic for Pneumothorax - familial. Last evaluated: 2025-10-21. Review status: criteria provided, single submitter. Criteria: ACMG Guidelines, 2015. Collection method: clinical testing. Allele origin: germline. Affected: yes.

Mayo Clinic Laboratories, Mayo Clinic
Classification: Pathogenic. Last evaluated: 2025-07-10. Review status: criteria provided, single submitter. Criteria: ACMG Guidelines, 2015. Collection method: clinical testing. Allele origin: germline. Observed: 9 variant alleles.
Comment: PP1_strong, PP4, PM2_supporting, PS4_moderate, PVS1

Johns Hopkins Genomics, Johns Hopkins University
Classification: Pathogenic for Pulmonary arterial hypertension. Last evaluated: 2024-09-25. Review status: criteria provided, single submitter. Criteria: ACMG Guidelines, 2015. Collection method: clinical testing. Allele origin: germline.
Comment: This FLCN variant has been reported in unrelated families with Birt-Hogg-Dube syndrome. This variant (rs137852929) is rare (<0.1%) in a large population dataset (gnomAD v4.1.0: 9/1614200 total alleles; 0.0006%; no homozygotes), and has been reported in ClinVar (Variation ID 3367). This nonsense variant results in a premature stop codon in exon 12 of 14, likely leading to nonsense-mediated decay and lack of protein production. We consider c.1389C>G in FLCN to be pathogenic.

ARUP Laboratories, Molecular Genetics and Genomics, ARUP Laboratories
Classification: Pathogenic. Last evaluated: 2024-07-05. Review status: criteria provided, single submitter. Criteria: ARUP Molecular Germline Variant Investigation Process 2024. Collection method: clinical testing. Allele origin: germline.
Comment: The FLCN c.1389C>G; p.Tyr463Ter variant (rs137852929), also known as 1844C>G, is reported in the literature in multiple individuals affected with Birt-Hogg-Dube syndrome and was found to segregate with disease in a large family (Nickerson 2002, Pithadia 2019, Schmidt 2005, Toro 2008). This variant is also reported in ClinVar (Variation ID: 3367) and is absent from the Genome Aggregation Database, indicating it is not a common polymorphism. This variant induces an early termination codon and is predicted to result in a truncated protein or mRNA subject to nonsense-mediated decay. Based on available information, this variant is considered to be pathogenic. References: Nickerson ML et al. Mutations in a novel gene lead to kidney tumors, lung wall defects, and benign tumors of the hair follicle in patients with the Birt-Hogg-Dube syndrome. Cancer Cell. 2002 Aug;2(2):157-64. PMID: 12204536. Pithadia DJ et al. Birt-Hogg-Dube syndrome initially diagnosed as tuberous sclerosis complex. JAAD Case Rep. 2019 Apr 5;5(4):368-371. PMID: 31008171. Schmidt LS et al. Germline BHD-mutation spectrum and phenotype analysis of a large cohort of families with Birt-Hogg-Dube syndrome. Am J Hum Genet. 2005 Jun;76(6):1023-33. PMID: 15852235. Toro JR et al. BHD mutations, clinical and molecular genetic investigations of Birt-Hogg-Dube syndrome: a new series of 50 families and a review of published reports. J Med Genet. 2008 Jun;45(6):321-31. PMID: 18234728.

St. Jude Molecular Pathology, St. Jude Children's Research Hospital
Classification: Pathogenic for Birt-Hogg-Dube syndrome 1. Last evaluated: 2023-12-01. Review status: criteria provided, single submitter. Criteria: St. Jude Assertion Criteria 2020. Collection method: clinical testing. Allele origin: germline.
Comment: The FLCN c.1389C>G (p.Tyr463Ter) change is a nonsense variant that is predicted to cause premature protein truncation and loss of normal protein function. This variant has been reported in several families with Birt-Hogg-Dubé syndrome (PMID: 12204536, 15852235, 18234728), including one large family where the mutation co-segregated with disease in six of six affected individuals (PMID: 12204536). This variant is absent in gnomAD v2.1.1. In summary, this variant meets criteria to be classified as pathogenic.

Institute for Genomic Medicine (IGM) Clinical Laboratory, Nationwide Children's Hospital
Classification: Pathogenic for Birt-Hogg-Dube syndrome 1. Last evaluated: 2023-10-25. Review status: criteria provided, single submitter. Criteria: ACMG Guidelines, 2015. Collection method: clinical testing. Allele origin: germline.
Comment: This variant is predicted to result in loss of function through nonsense-mediated decay of the encoded transcript or premature truncation of the encoded protein in a gene in which loss of function is a known mechanism of disease (ACMG/AMP: PVS1; PMIDs:19562744, 19802896). This variant has been reported at an elevated frequency in affected individuals/in multiple affected individuals in the literature (ACMG/AMP: PS4; PMIDs:12204536, 15852235, 18234728). This variant is absent from or present at an exceedingly low frequency in gnomAD, a large-scale control population database (ACMG/AMP: PM2). This variant has been shown to segregate with disease in multiple affected family members (ACMG/AMP: PP1_Strong; PMIDs:18234728, 15852235).

Ambry Genetics
Classification: Pathogenic for Hereditary cancer-predisposing syndrome. Last evaluated: 2023-10-03. Review status: criteria provided, single submitter. Criteria: Ambry Variant Classification Scheme 2023. Collection method: clinical testing. Allele origin: germline.
Comment: The p.Y463* pathogenic mutation (also known as c.1389C>G), located in coding exon 9 of the FLCN gene, results from a C to G substitution at nucleotide position 1389. This changes the amino acid from a tyrosine to a stop codon within coding exon 9. This mutation has been observed in multiple individuals with Birt-Hogg-Dub&eacute; syndrome (Schmidt LS et al. Am. J. Hum. Genet. 2005 Jun;76(6):1023-33; Toro JR et al. J. Med. Genet. 2008 Jun;45(6):321-31), including one large family where the mutation co-segregated with disease in six of six affected individuals (Nickerson ML et al. Cancer Cell. 2002 Aug;2(2):157-64). In addition to the clinical data presented in the literature, this alteration is expected to result in loss of function by premature protein truncation or nonsense-mediated mRNA decay. As such, this alteration is interpreted as a disease-causing mutation.

Baylor Genetics
Classification: Pathogenic for Birt-Hogg-Dube syndrome 1. Last evaluated: 2023-09-21. Review status: criteria provided, single submitter. Criteria: ACMG Guidelines, 2015. Collection method: clinical testing. Allele origin: unknown.

Myriad Genetics, Inc.
Classification: Pathogenic for Birt-Hogg-Dube syndrome 1. Last evaluated: 2023-07-07. Review status: criteria provided, single submitter. Criteria: Myriad Autosomal Dominant, Autosomal Recessive and X-Linked Classification Criteria (2023). Collection method: clinical testing. Allele origin: unknown.
Comment: This variant is considered pathogenic. This variant creates a termination codon and is predicted to result in premature protein truncation.